The following is an entry in ClinVar:

NM_000059.4(BRCA2):c.8568G>A (p.Glu2856=)

Gene: BRCA2 (BRCA2 DNA repair associated; plus strand). Cytogenetic location: 13q13.1.
Variant type: single nucleotide variant.
Coding change: c.8568G>A on transcript NM_000059.4 (MANE Select); coding-DNA position 8568, G replaced by A.
Protein change: p.Glu2856=; no amino-acid change (glutamic acid 2856 retained).
Molecular consequence: synonymous variant.
Genome position (GRCh38, 1-based): chr13:32,371,036, G>A. VCF-style: chr13-32371036-G-A. GRCh37 (hg19) VCF-style: chr13-32945173-G-A.
Identifiers: ClinVar variation 379011 (VCV000379011.11), dbSNP rs878853610, ClinGen allele CA16606451.

ClinVar aggregate classification (germline): Likely benign. Review status: criteria provided, multiple submitters, no conflicts (2 of 4 stars). 3 submissions from 3 submitters: Likely benign (3). Last evaluated 2025-12-31.

Conditions:
Hereditary cancer-predisposing syndrome. Also called: Tumor predisposition; Hereditary neoplastic syndrome; Neoplastic Syndromes, Hereditary; Hereditary Cancer Syndrome. Identifiers: Orphanet 140162, MedGen C0027672, MeSH D009386, MONDO:0015356.
Hereditary breast ovarian cancer syndrome. Also called: Hereditary breast and/or ovarian cancer syndrome; Hereditary breast and ovarian cancer syndrome; Hereditary breast and ovarian cancer syndrome (HBOC); Hereditary breast and ovarian cancer; BRCA1- and BRCA2-Associated Hereditary Breast and Ovarian Cancer; Breast and ovarian cancer. Identifiers: Orphanet 145, MedGen C0677776, MeSH D061325, MONDO:0003582. Disease mechanism: loss of function.

Submissions (3):

Labcorp Genetics (formerly Invitae), Labcorp
Classification: Likely benign for Hereditary breast ovarian cancer syndrome. Last evaluated: 2025-12-31. Review status: criteria provided, single submitter. Criteria: Invitae Variant Classification Sherloc (09022015). Collection method: clinical testing. Allele origin: germline.

Ambry Genetics
Classification: Likely benign for Hereditary cancer-predisposing syndrome. Last evaluated: 2025-06-24. Review status: criteria provided, single submitter. Criteria: Ambry Variant Classification Scheme 2023. Collection method: clinical testing. Allele origin: germline.

GeneDx
Classification: Likely benign. Last evaluated: 2016-02-05. Review status: criteria provided, single submitter. Criteria: GeneDx Variant Classification (06012015). Collection method: clinical testing. Allele origin: germline. Affected: yes.
Comment: This variant is considered likely benign or benign based on one or more of the following criteria: it is a conservative change, it occurs at a poorly conserved position in the protein, it is predicted to be benign by multiple in silico algorithms, and/or has population frequency not consistent with disease.